The following is an entry in ClinVar:

NM_000124.4(ERCC6):c.1390C>T (p.Arg464Trp)

Genes: ERCC6 (ERCC excision repair 6, chromatin remodeling factor; minus strand), PGBD3 (piggyBac transposable element derived 3; minus strand). Cytogenetic location: 10q11.23.
Variant type: single nucleotide variant.
Coding change: c.1390C>T on transcript NM_000124.4 (MANE Select); coding-DNA position 1390, C replaced by T.
Protein change: p.Arg464Trp; replaces arginine 464 with tryptophan.
Molecular consequence: missense variant. On other transcripts: 5 prime UTR variant (1).
Genome position (GRCh38, 1-based): chr10:49,524,040, G>A on the plus strand (C>T on the coding strand, the complement: ERCC6 is on the minus strand). VCF-style: chr10-49524040-G-A. GRCh37 (hg19) VCF-style: chr10-50732086-G-A.
Other names: c.1390C>T, p.Arg464Trp (NM_001277058.2, NM_001277059.2, NM_001346440.2); c.-15C>T (NM_170753.3); short protein forms R464W.
Identifiers: ClinVar variation 595151 (VCV000595151.12), dbSNP rs375995821, ClinGen allele CA5496336.

ClinVar aggregate classification (germline): Uncertain significance. Review status: criteria provided, multiple submitters, no conflicts (2 of 4 stars). 6 submissions from 4 submitters: Uncertain significance (6). Last evaluated 2026-08-31.

Conditions:
Cockayne syndrome type 2 (CSB). Also called: COCKAYNE SYNDROME B; Cockayne Syndrome, Type II. Identifiers: Orphanet 191, Orphanet 90322, MedGen C0751038, MONDO:0019570, OMIM 133540.
Cerebrooculofacioskeletal syndrome 1 (COFS1). Also called: Cerebro-oculo-facio-skeletal syndrome 1. Identifiers: MedGen C0220722, MONDO:0008955, OMIM 214150.
Age related macular degeneration 5. Identifiers: MedGen C3151063, MONDO:0013409, OMIM 613761.
Inborn genetic diseases. Identifiers: MedGen C0950123, MeSH D030342.

Allele frequency attached by ClinVar (database versions not stated): TOPMed 0.00001; ExAC 0.00002; gnomAD 0.00002; gnomAD exomes 0.00004 and 0.00007; ESP Exome Variant Server 0.00008.
gnomAD v4.1: 106 of 1,613,010 alleles (0.0066%); highest among the groups gnomAD compares: Non-Finnish European, 0.0082%; no homozygotes.

Submissions (6):

Ambry Genetics
Classification: Uncertain significance for Inborn genetic diseases. Last evaluated: 2026-08-31. Review status: criteria provided, single submitter. Criteria: Ambry Variant Classification Scheme 2023. Collection method: clinical testing. Allele origin: germline.
Comment: The c.1390C>T (p.R464W) alteration is located in exon 5 (coding exon 4) of the ERCC6 gene. This alteration results from a C to T substitution at nucleotide position 1390, causing the arginine (R) at amino acid position 464 to be replaced by a tryptophan (W). Based on data from gnomAD, the T allele has an overall frequency of 0.004% (12/279874) total alleles studied. The highest observed frequency was 0.009% (11/126756) of European (non-Finnish) alleles. Based on insufficient or conflicting evidence, the clinical significance of this alteration remains unclear.

Labcorp Genetics (formerly Invitae), Labcorp
Classification: Uncertain significance. Last evaluated: 2022-06-19. Review status: criteria provided, single submitter. Criteria: Invitae Variant Classification Sherloc (09022015). Collection method: clinical testing. Allele origin: germline.
Comment: This sequence change replaces arginine, which is basic and polar, with tryptophan, which is neutral and slightly polar, at codon 464 of the ERCC6 protein (p.Arg464Trp). This variant is present in population databases (rs375995821, gnomAD 0.008%). This variant has not been reported in the literature in individuals affected with ERCC6-related conditions. ClinVar contains an entry for this variant (Variation ID: 595151). Algorithms developed to predict the effect of missense changes on protein structure and function (SIFT, PolyPhen-2, Align-GVGD) all suggest that this variant is likely to be disruptive. In summary, the available evidence is currently insufficient to determine the role of this variant in disease. Therefore, it has been classified as a Variant of Uncertain Significance.

Illumina Laboratory Services, Illumina
Classification: Uncertain significance for Cerebrooculofacioskeletal syndrome 1. Last evaluated: 2018-01-12. Review status: criteria provided, single submitter. Criteria: ICSL Variant Classification Criteria 13 December 2019. Collection method: clinical testing. Allele origin: germline.

Illumina Laboratory Services, Illumina
Classification: Uncertain significance for Age related macular degeneration 5. Last evaluated: 2018-01-12. Review status: criteria provided, single submitter. Criteria: ICSL Variant Classification Criteria 13 December 2019. Collection method: clinical testing. Allele origin: germline.

Illumina Laboratory Services, Illumina
Classification: Uncertain significance for Cockayne syndrome type 2. Last evaluated: 2018-01-12. Review status: criteria provided, single submitter. Criteria: ICSL Variant Classification Criteria 13 December 2019. Collection method: clinical testing. Allele origin: germline.

Eurofins Ntd Llc (ga)
Classification: Uncertain significance. Last evaluated: 2017-12-07. Review status: criteria provided, single submitter. Criteria: EGL Classification Definitions 2015. Collection method: clinical testing. Allele origin: germline. Observed: 1 variant allele, 1 heterozygote.